The following is an entry in ClinVar:

NM_001330360.2(POLA1):c.3332G>A (p.Arg1111Gln)

Gene: POLA1 (DNA polymerase alpha 1, catalytic subunit; plus strand). Cytogenetic location: Xp22.11.
Variant type: single nucleotide variant.
Coding change: c.3332G>A on transcript NM_001330360.2 (MANE Select); coding-DNA position 3332, G replaced by A.
Protein change: p.Arg1111Gln; replaces arginine 1111 with glutamine.
Molecular consequence: missense variant. On other transcripts: non-coding transcript variant (2).
Genome position (GRCh38, 1-based): chrX:24,815,014, G>A. VCF-style: chrX-24815014-G-A. GRCh37 (hg19) VCF-style: chrX-24833131-G-A.
Other names: c.3257G>A, p.Arg1086Gln (NM_001378303.1); c.3314G>A, p.Arg1105Gln (NM_016937.4); short protein forms R1086Q, R1105Q, R1111Q.
Identifiers: ClinVar variation 1400138 (VCV001400138.8), dbSNP rs1332487188, ClinGen allele CA412525717.

ClinVar aggregate classification (germline): Uncertain significance (1 of 4 stars; one submission).

Allele frequency attached by ClinVar (database versions not stated): gnomAD exomes below 0.00001; TOPMed 0.00002; gnomAD 0.00003.
gnomAD v4.1: 9 of 1,157,265 alleles (0.00078%); highest among the groups gnomAD compares: Non-Finnish European, 0.00058%; no homozygotes.

Submission:

Labcorp Genetics (formerly Invitae), Labcorp
Classification: Uncertain significance. Last evaluated: 2023-11-15. Review status: criteria provided, single submitter. Criteria: Invitae Variant Classification Sherloc (09022015). Collection method: clinical testing. Allele origin: germline.
Comment: This sequence change replaces arginine, which is basic and polar, with glutamine, which is neutral and polar, at codon 1105 of the POLA1 protein (p.Arg1105Gln). This variant is not present in population databases (gnomAD no frequency). This variant has not been reported in the literature in individuals affected with POLA1-related conditions. ClinVar contains an entry for this variant (Variation ID: 1400138). Advanced modeling of protein sequence and biophysical properties (such as structural, functional, and spatial information, amino acid conservation, physicochemical variation, residue mobility, and thermodynamic stability) performed at Invitae indicates that this missense variant is expected to disrupt POLA1 protein function with a positive predictive value of 80%. In summary, the available evidence is currently insufficient to determine the role of this variant in disease. Therefore, it has been classified as a Variant of Uncertain Significance.